The following is an entry in ClinVar:

ClinVar aggregate classification (germline): Uncertain significance/Uncertain risk allele. Review status: criteria provided, multiple submitters, no conflicts (2 of 4 stars). 4 submissions from 4 submitters: Uncertain significance (3); Uncertain risk allele (1). Last evaluated 2024-03-22.

Conditions:
Loeys-Dietz syndrome 2 (LDS2). Also called: AORTIC ANEURYSM, FAMILIAL THORACIC 3; MARFAN SYNDROME, TYPE II; Marfan syndrome, type 2 (formerly); TGFBR2-Related Loeys-Dietz Syndrome; Marfan Syndrome type 2; Marfan like connective tissue disorder. Identifiers: Orphanet 284973, Orphanet 558, MedGen C2674574, MONDO:0012427, OMIM 610168.
Diabetic retinopathy. Identifiers: MedGen C0011884, MONDO:0005266.
Familial thoracic aortic aneurysm and aortic dissection (TAAD). Also called: Thoracic aortic aneurysms and dissections. Identifiers: Orphanet 91387, MedGen C4707243, MONDO:0019625.

Allele frequency attached by ClinVar (database versions not stated): gnomAD exomes 0.00001; ExAC 0.00002; gnomAD 0.00004 and 0.00003; ESP Exome Variant Server 0.00031; TOPMed 0.00002.
gnomAD v4.1: 8 of 1,613,610 alleles (0.0005%); highest among the groups gnomAD compares: African/African-American, 0.0094%; no homozygotes.

Submissions (4):

Ambry Genetics
Classification: Uncertain significance for Familial thoracic aortic aneurysm and aortic dissection. Last evaluated: 2024-03-22. Review status: criteria provided, single submitter. Criteria: Ambry Variant Classification Scheme 2023. Collection method: clinical testing. Allele origin: germline.
Comment: The p.T132A variant (also known as c.394A>G), located in coding exon 3 of the TGFBR2 gene, results from an A to G substitution at nucleotide position 394. The threonine at codon 132 is replaced by alanine, an amino acid with similar properties. This amino acid position is conserved. In addition, this alteration is predicted to be tolerated by in silico analysis. Since supporting evidence is limited at this time, the clinical significance of this alteration remains unclear.

Labcorp Genetics (formerly Invitae), Labcorp
Classification: Uncertain significance for Familial thoracic aortic aneurysm and aortic dissection. Last evaluated: 2023-12-01. Review status: criteria provided, single submitter. Criteria: Invitae Variant Classification Sherloc (09022015). Collection method: clinical testing. Allele origin: germline.
Comment: This sequence change replaces threonine, which is neutral and polar, with alanine, which is neutral and non-polar, at codon 132 of the TGFBR2 protein (p.Thr132Ala). This variant is present in population databases (rs146497045, gnomAD 0.007%). This variant has not been reported in the literature in individuals affected with TGFBR2-related conditions. ClinVar contains an entry for this variant (Variation ID: 543895). Advanced modeling of protein sequence and biophysical properties (such as structural, functional, and spatial information, amino acid conservation, physicochemical variation, residue mobility, and thermodynamic stability) performed at Invitae indicates that this missense variant is not expected to disrupt TGFBR2 protein function with a negative predictive value of 95%. In summary, the available evidence is currently insufficient to determine the role of this variant in disease. Therefore, it has been classified as a Variant of Uncertain Significance.

All of Us Research Program, National Institutes of Health
Classification: Uncertain significance for Loeys-Dietz syndrome 2. Last evaluated: 2023-06-26. Review status: criteria provided, single submitter. Criteria: ACMG Guidelines, 2015. Collection method: clinical testing. Allele origin: germline. Inheritance: Autosomal dominant inheritance. Observed: 1 variant allele, 1 heterozygote.
Comment: This missense variant replaces threonine with alanine at codon 132 of the TGFBR2 protein. Computational prediction suggests that this variant may not impact protein structure and function (internally defined REVEL score threshold <= 0.5, PMID: 27666373). To our knowledge, functional studies have not been reported for this variant. This variant has not been reported in individuals affected with TGFBR2-related disorders in the literature. This variant has been identified in 2/250838 chromosomes in the general population by the Genome Aggregation Database (gnomAD). The available evidence is insufficient to determine the role of this variant in disease conclusively. Therefore, this variant is classified as a Variant of Uncertain Significance.

This study involves interpretation of variants in research participants for the purpose of population health screening. Participant phenotype was not available at the time of variant classification. Additional details can be found in publication PMID: 35346344, PMCID: PMC8962531

Clinical Genomics, Uppaluri K&H Personalized Medicine Clinic
Classification: Uncertain risk allele for Diabetic retinopathy. Review status: criteria provided, single submitter. Criteria: K And H Uppaluri Personalized Medicine Clinic Variant Classification And Assertion Criteria Updated V 2. Collection method: research. Allele origin: unknown.
Comment: Potent mutations in TGFBR2 gene encodes the transforming growth factor that have been associated with angiogenesis and diabetic retinopathy. More clinical studies are needed for stronger association. However, more evidence is required to confer the association of this particular variant rs146497045 with diabetic retinopathy.

Literature cited by the submitters: PubMed 30222965 (cited by Clinical Genomics, Uppaluri K&H Personalized Medicine Clinic); PubMed 28162229 (cited by Clinical Genomics, Uppaluri K&H Personalized Medicine Clinic); PubMed 34572573 (cited by Clinical Genomics, Uppaluri K&H Personalized Medicine Clinic).

NM_003242.6(TGFBR2):c.394A>G (p.Thr132Ala)

Gene: TGFBR2 (transforming growth factor beta receptor 2; plus strand). Cytogenetic location: 3p24.1.
Variant type: single nucleotide variant.
Coding change: c.394A>G on transcript NM_003242.6 (MANE Select); coding-DNA position 394, A replaced by G.
Protein change: p.Thr132Ala; replaces threonine 132 with alanine.
Molecular consequence: missense variant.
Genome position (GRCh38, 1-based): chr3:30,650,400, A>G. VCF-style: chr3-30650400-A-G. GRCh37 (hg19) VCF-style: chr3-30691892-A-G.
Other names: c.469A>G, p.Thr157Ala (NM_001024847.3, NM_001407126.1, NM_001407139.1); c.394A>G, p.Thr132Ala (NM_001407127.1, NM_001407130.1); c.421A>G, p.Thr141Ala (NM_001407128.1); c.289A>G, p.Thr97Ala (NM_001407129.1, NM_001407132.1, NM_001407133.1 and 3 more transcripts); short protein forms T132A, T157A, T97A, T141A.
Identifiers: ClinVar variation 543895 (VCV000543895.9), dbSNP rs146497045, ClinGen allele CA048207.